The following is an entry in ClinVar:

NM_015046.7(SETX):c.3809C>T (p.Pro1270Leu)

Gene: SETX (senataxin; minus strand). Cytogenetic location: 9q34.13.
Variant type: single nucleotide variant.
Coding change: c.3809C>T on transcript NM_015046.7 (MANE Select); coding-DNA position 3809, C replaced by T.
Protein change: p.Pro1270Leu; replaces proline 1270 with leucine.
Molecular consequence: missense variant.
Genome position (GRCh38, 1-based): chr9:132,327,789, G>A on the plus strand (C>T on the coding strand, the complement: SETX is on the minus strand). VCF-style: chr9-132327789-G-A. GRCh37 (hg19) VCF-style: chr9-135203176-G-A.
Other names: c.3809C>T, p.Pro1270Leu (NM_001351527.2, NM_001351528.2); short protein forms P1270L.
Identifiers: ClinVar variation 242634 (VCV000242634.96), dbSNP rs144334281, ClinGen allele CA048312.

ClinVar aggregate classification (germline): Conflicting classifications of pathogenicity. Review status: criteria provided, conflicting classifications (1 of 4 stars). 14 submissions from 13 submitters: Uncertain significance (1); Benign (2); Likely benign (6). 5 of the submissions do not count toward it. Last evaluated 2026-06-01.

Conditions:
SETX-related disorder. Also called: SETX-related disorders; SETX-related condition. Identifiers: MedGen CN239403.
Inborn genetic diseases. Identifiers: MedGen C0950123, MeSH D030342.
Spinocerebellar ataxia, autosomal recessive, with axonal neuropathy 2 (SCAN2). Also called: Ataxia with Oculomotor Apraxia Type 2; Ataxia with Oculomotor Apraxia; ATAXIA-OCULOMOTOR APRAXIA 2; Ataxia-ocular apraxia-2. Identifiers: Orphanet 64753, MedGen C1853761, MONDO:0018996, OMIM 606002.
Amyotrophic lateral sclerosis type 4 (ALS4). Also called: AMYOTROPHIC LATERAL SCLEROSIS 4, JUVENILE; NEURONOPATHY, DISTAL HEREDITARY MOTOR, WITH PYRAMIDAL FEATURES. Identifiers: Orphanet 357043, MedGen C1865409, MONDO:0011223, OMIM 602433.

Allele frequency attached by ClinVar (database versions not stated): ESP Exome Variant Server 0.00046; TOPMed 0.00048; 1000 Genomes Project 30x 0.00062; 1000 Genomes Project 0.00080; gnomAD 0.00117 and 0.00122; gnomAD exomes 0.00119; ExAC 0.00125.
gnomAD v4.1: 1,528 of 1,614,088 alleles (0.095%); highest among the groups gnomAD compares: Non-Finnish European, 0.078%; 3 homozygotes.

Submissions (14):

CeGaT Center for Human Genetics Tuebingen
Classification: Likely benign. Last evaluated: 2026-06-01. Review status: criteria provided, single submitter. Criteria: CeGaT Center For Human Genetics Tuebingen Variant Classification Criteria Version 2. Collection method: clinical testing. Allele origin: germline. Affected: yes. Observed: 9 variant alleles.
Comment: SETX: BS2

Labcorp Genetics (formerly Invitae), Labcorp
Classification: Likely benign for Amyotrophic lateral sclerosis type 4; Spinocerebellar ataxia, autosomal recessive, with axonal neuropathy 2. Last evaluated: 2026-01-15. Review status: criteria provided, single submitter. Criteria: Invitae Variant Classification Sherloc (09022015). Collection method: clinical testing. Allele origin: germline.

Blueprint Genetics
Classification: Likely benign. Last evaluated: 2024-11-27. Review status: criteria provided, single submitter. Criteria: ACMG Guidelines, 2015. Collection method: clinical testing. Allele origin: germline.

Ambry Genetics
Classification: Likely benign for Inborn genetic diseases. Last evaluated: 2024-01-02. Review status: criteria provided, single submitter. Criteria: Ambry Variant Classification Scheme 2023. Collection method: clinical testing. Allele origin: germline.

GeneDx
Classification: Likely benign. Last evaluated: 2021-05-22. Review status: criteria provided, single submitter. Criteria: GeneDx Variant Classification Process June 2021. Collection method: clinical testing. Allele origin: germline. Affected: yes.

Mayo Clinic Laboratories, Mayo Clinic
Classification: Benign. Last evaluated: 2018-11-26. Review status: criteria provided, single submitter. Criteria: ACMG Guidelines, 2015. Collection method: clinical testing. Allele origin: germline. Observed: 5 variant alleles.

Athena Diagnostics
Classification: Benign. Last evaluated: 2018-10-04. Review status: criteria provided, single submitter. Criteria: Athena Diagnostics Criteria. Collection method: clinical testing. Allele origin: germline.

Illumina Laboratory Services, Illumina
Classification: Likely benign for Amyotrophic lateral sclerosis type 4. Last evaluated: 2018-01-13. Review status: criteria provided, single submitter. Criteria: ICSL Variant Classification Criteria 13 December 2019. Collection method: clinical testing. Allele origin: germline.
Comment: This variant was observed in the ICSL laboratory as part of a predisposition screen in an ostensibly healthy population. It had not been previously curated by ICSL or reported in the Human Gene Mutation Database (HGMD: prior to June 1st, 2018), and was therefore a candidate for classification through an automated scoring system. Utilizing variant allele frequency, disease prevalence and penetrance estimates, and inheritance mode, an automated score was calculated to assess if this variant is too frequent to cause the disease. Based on the score and internal cut-off values, a variant classified as likely benign is not then subjected to further curation. The score for this variant resulted in a classification of likely benign for this disease.

Illumina Laboratory Services, Illumina
Classification: Uncertain significance for Spinocerebellar ataxia, autosomal recessive, with axonal neuropathy 2. Last evaluated: 2018-01-13. Review status: criteria provided, single submitter. Criteria: ICSL Variant Classification Criteria 13 December 2019. Collection method: clinical testing. Allele origin: germline.

PreventionGenetics, part of Exact Sciences
Classification: Likely benign for SETX-related condition. Last evaluated: 2020-01-30. Review status: no assertion criteria provided. Collection method: clinical testing. Allele origin: germline. Not counted in ClinVar's aggregate classification.
Comment: This variant is classified as likely benign based on ACMG/AMP sequence variant interpretation guidelines (Richards et al. 2015 PMID: 25741868, with internal and published modifications).

Clinical Genetics DNA and cytogenetics Diagnostics Lab, Erasmus MC, Erasmus Medical Center
Classification: Likely benign. Review status: no assertion criteria provided. Collection method: clinical testing. Allele origin: germline. Affected: yes. Study: VKGL Data-share Consensus. Not counted in ClinVar's aggregate classification.

Clinical Genetics, Academic Medical Center
Classification: Likely benign. Review status: no assertion criteria provided. Collection method: clinical testing. Allele origin: germline. Affected: yes. Study: VKGL Data-share Consensus. Not counted in ClinVar's aggregate classification.

Genome Diagnostics Laboratory, Amsterdam University Medical Center
Classification: Likely benign. Review status: no assertion criteria provided. Collection method: clinical testing. Allele origin: germline. Affected: yes. Study: VKGL Data-share Consensus. Not counted in ClinVar's aggregate classification.

Genome Diagnostics Laboratory, University Medical Center Utrecht
Classification: Likely benign. Review status: no assertion criteria provided. Collection method: clinical testing. Allele origin: germline. Affected: yes. Study: VKGL Data-share Consensus. Not counted in ClinVar's aggregate classification.

Literature cited by the submitters: PubMed 25025039 (cited by Ambry Genetics and Athena Diagnostics); PubMed 25182519 (cited by Ambry Genetics); PubMed 25299611 (cited by Ambry Genetics).